The following is an entry in ClinVar:

ClinVar aggregate classification (germline): Conflicting classifications of pathogenicity. Review status: criteria provided, conflicting classifications (1 of 4 stars). 8 submissions from 7 submitters: Uncertain significance (4); Likely benign (3). 1 of the submissions does not count toward it. Last evaluated 2026-01-26.

Conditions:
Acute febrile neutrophilic dermatosis (AFND). Also called: Sweet Syndrome; Gomm Button disease. Identifiers: Orphanet 3243, MedGen C0085077, MONDO:0011959, OMIM 608068.
Familial Mediterranean fever (FMF). Also called: POLYSEROSITIS, FAMILIAL PAROXYSMAL; POLYSEROSITIS, RECURRENT; Periodic peritonitis; Benign paroxysmal peritonitis. Identifiers: Orphanet 342, MedGen C0031069, MONDO:0018088, OMIM 249100. Disease mechanism: gain of function.
Familial Mediterranean fever, autosomal dominant. Also called: Dominant Familial Mediterranean Fever; FMF, AUTOSOMAL DOMINANT. Identifiers: Orphanet 342, MedGen C1851347, MONDO:0007601, OMIM 134610.
MEFV-related disorder. Also called: MEFV-related disorders; MEFV-related condition.

Allele frequency attached by ClinVar (database versions not stated): gnomAD exomes 0.00006 and 0.00013; ExAC 0.00017; 1000 Genomes Project 0.00020; 1000 Genomes Project 30x 0.00031; ESP Exome Variant Server 0.00046; TOPMed 0.00063; gnomAD 0.00065 and 0.00071.
gnomAD v4.1: 185 of 1,613,100 alleles (0.011%); highest among the groups gnomAD compares: African/African-American, 0.22%; no homozygotes.

Submissions (8):

Labcorp Genetics (formerly Invitae), Labcorp
Classification: Likely benign for Familial Mediterranean fever. Last evaluated: 2026-01-26. Review status: criteria provided, single submitter. Criteria: Invitae Variant Classification Sherloc (09022015). Collection method: clinical testing. Allele origin: germline.

ARUP Laboratories, Molecular Genetics and Genomics, ARUP Laboratories
Classification: Uncertain significance. Last evaluated: 2025-04-11. Review status: criteria provided, single submitter. Criteria: ARUP Molecular Germline Variant Investigation Process 2024. Collection method: clinical testing. Allele origin: germline.
Comment: The MEFV c.277+6C>T variant (rs7199464), to our knowledge, is not reported in the medical literature but is reported in ClinVar (Variation ID: 516197). This variant is found in the general population with an overall allele frequency of 0.02% (54/277902 alleles) in the Genome Aggregation Database. This is an intronic variant in a weakly conserved nucleotide, and computational analyses (Alamut Visual Plus v.1.5.1) predict that this variant does not alter splicing. However, since this variant is located within the minimal splice region, the clinical significance of this variant is uncertain at this time.

Blueprint Genetics
Classification: Likely benign. Last evaluated: 2024-05-09. Review status: criteria provided, single submitter. Criteria: ACMG Guidelines, 2015. Collection method: clinical testing. Allele origin: germline.

Women's Health and Genetics/Laboratory Corporation of America, LabCorp
Classification: Uncertain significance. Last evaluated: 2021-08-16. Review status: criteria provided, single submitter. Criteria: LabCorp Variant Classification Summary - May 2015. Collection method: clinical testing. Allele origin: germline.
Comment: Variant summary: MEFV c.277+6C>T alters a conserved nucleotide located close to a canonical splice site and therefore could affect mRNA splicing, leading to a significantly altered protein sequence. 4/4 computational tools predict no significant impact on normal splicing. However, these predictions have yet to be confirmed by functional studies. The variant allele was found at a frequency of 0.00019 in 277902 control chromosomes (gnomAD). This frequency is not higher than expected for a pathogenic variant in MEFV causing Familial Mediterranean Fever (0.00019 vs 0.022), allowing no conclusion about variant significance. To our knowledge, no occurrence of c.277+6C>T in individuals affected with Familial Mediterranean Fever and no experimental evidence demonstrating its impact on protein function have been reported. Three ClinVar submitters (evaluation after 2014) cite the variant as uncertain significance (n=1) and likely benign (n=2). Based on the evidence outlined above, the variant was classified as uncertain significance.

Center for Genomics, Ann and Robert H. Lurie Children's Hospital of Chicago
Classification: Uncertain significance for Acute febrile neutrophilic dermatosis; Familial Mediterranean fever; Familial Mediterranean fever, autosomal dominant. Last evaluated: 2021-03-30. Review status: criteria provided, single submitter. Criteria: ACMG Guidelines, 2015. Collection method: clinical testing. Allele origin: germline.
Comment: MEFV NM_000243.2 exon 1 c.277+6C>T: This variant has not been reported in the literature but is present in 0.1% (48/24290) of African alleles in the Genome Aggregation Database. This variant is present in ClinVar (Variation ID:516197). Evolutionary conservation and computational predictive tools for this variant are limited or unavailable. This variant is an intronic variant; splice prediction tools suggest that this variant may not affect splicing. However, further studies are needed to understand its impact. In summary, data on this variant is insufficient for disease classification. Therefore, the clinical significance of this variant is uncertain.

Center for Genomics, Ann and Robert H. Lurie Children's Hospital of Chicago
Classification: Uncertain significance for Familial Mediterranean fever, autosomal dominant; Familial Mediterranean fever. Last evaluated: 2019-11-22. Review status: criteria provided, single submitter. Criteria: ACMG Guidelines, 2015. Collection method: clinical testing. Allele origin: germline.
Comment: the same text as in the submission from Center for Genomics, Ann and Robert H. Lurie Children's Hospital of Chicago above.

GeneDx
Classification: Likely benign. Last evaluated: 2017-02-13. Review status: criteria provided, single submitter. Criteria: GeneDx Variant Classification (06012015). Collection method: clinical testing. Allele origin: germline. Affected: yes.
Comment: This variant is considered likely benign or benign based on one or more of the following criteria: it is a conservative change, it occurs at a poorly conserved position in the protein, it is predicted to be benign by multiple in silico algorithms, and/or has population frequency not consistent with disease.

PreventionGenetics, part of Exact Sciences
Classification: Likely benign for MEFV-related condition. Last evaluated: 2019-03-04. Review status: no assertion criteria provided. Collection method: clinical testing. Allele origin: germline. Not counted in ClinVar's aggregate classification.
Comment: This variant is classified as likely benign based on ACMG/AMP sequence variant interpretation guidelines (Richards et al. 2015 PMID: 25741868, with internal and published modifications).

NM_000243.3(MEFV):c.277+6C>T

Gene: MEFV (MEFV innate immunity regulator, pyrin; minus strand). Cytogenetic location: 16p13.3.
Variant type: single nucleotide variant.
Coding change: c.277+6C>T on transcript NM_000243.3 (MANE Select); 6 bases into the intron after coding-DNA position 277, C replaced by T.
Molecular consequence: intron variant.
Genome position (GRCh38, 1-based): chr16:3,256,305, G>A on the plus strand (C>T on the coding strand, the complement: MEFV is on the minus strand). VCF-style: chr16-3256305-G-A. GRCh37 (hg19) VCF-style: chr16-3306305-G-A.
Other names: c.277+6C>T (NM_001198536.2).
Identifiers: ClinVar variation 516197 (VCV000516197.19), dbSNP rs7199464, ClinGen allele CA7860488.